The following is an entry in ClinVar:

NM_001873.4(CPE):c.467C>G (p.Ser156Cys)

Gene: CPE (carboxypeptidase E; plus strand). Cytogenetic location: 4q32.3.
Variant type: single nucleotide variant.
Coding change: c.467C>G on transcript NM_001873.4 (MANE Select); coding-DNA position 467, C replaced by G.
Protein change: p.Ser156Cys; replaces serine 156 with cysteine.
Molecular consequence: missense variant.
Genome position (GRCh38, 1-based): chr4:165,464,549, C>G. VCF-style: chr4-165464549-C-G. GRCh37 (hg19) VCF-style: chr4-166385701-C-G.
Other names: short protein forms S156C.
Identifiers: ClinVar variation 3649981 (VCV003649981.2).

ClinVar aggregate classification (germline): Uncertain significance (1 of 4 stars; one submission).

Submission:

Labcorp Genetics (formerly Invitae), Labcorp
Classification: Uncertain significance. Last evaluated: 2025-12-08. Review status: criteria provided, single submitter. Criteria: Invitae Variant Classification Sherloc (09022015). Collection method: clinical testing. Allele origin: germline.
Comment: This sequence change replaces serine, which is neutral and polar, with cysteine, which is neutral and slightly polar, at codon 156 of the CPE protein (p.Ser156Cys). This variant is not present in population databases (gnomAD no frequency). This variant has not been reported in the literature in individuals affected with CPE-related conditions. ClinVar contains an entry for this variant (Variation ID: 3649981). An algorithm developed to predict the effect of missense changes on protein structure and function (PolyPhen-2) suggests that this variant is likely to be disruptive. In summary, the available evidence is currently insufficient to determine the role of this variant in disease. Therefore, it has been classified as a Variant of Uncertain Significance.